The following is an entry in ClinVar:

ClinVar aggregate classification (germline): Uncertain significance. Review status: criteria provided, multiple submitters, no conflicts (2 of 4 stars). 7 submissions from 7 submitters: Uncertain significance (4). 3 of the submissions do not count toward it. Last evaluated 2023-10-05.

Conditions:
Hereditary spastic paraplegia 48. Also called: SPASTIC PARAPLEGIA 48, AUTOSOMAL RECESSIVE; Spastic paraplegia 48. Identifiers: Orphanet 306511, MedGen C3150901, MONDO:0013342, OMIM 613647.
Retinal dystrophy. Also called: Inherited retinal dystrophy. Identifiers: Orphanet 71862, MedGen C0854723, MeSH D058499, MONDO:0019118, HP:0000556.

Allele frequency attached by ClinVar (database versions not stated): TOPMed 0.00015; ESP Exome Variant Server 0.00016; gnomAD exomes 0.00027 and 0.00047; gnomAD 0.00037 and 0.00038; ExAC 0.00052.
gnomAD v4.1: 427 of 1,588,848 alleles (0.027%); highest among the groups gnomAD compares: Non-Finnish European, 0.027%; 1 homozygote.

Submissions (7):

Labcorp Genetics (formerly Invitae), Labcorp
Classification: Uncertain significance for Hereditary spastic paraplegia 48. Last evaluated: 2023-10-05. Review status: criteria provided, single submitter. Criteria: Invitae Variant Classification Sherloc (09022015). Collection method: clinical testing. Allele origin: germline.
Comment: This sequence change replaces histidine, which is basic and polar, with tyrosine, which is neutral and polar, at codon 105 of the AP5Z1 protein (p.His105Tyr). This variant is present in population databases (rs200490093, gnomAD 0.2%), and has an allele count higher than expected for a pathogenic variant. This variant has not been reported in the literature in individuals affected with AP5Z1-related conditions. ClinVar contains an entry for this variant (Variation ID: 360306). Advanced modeling of protein sequence and biophysical properties (such as structural, functional, and spatial information, amino acid conservation, physicochemical variation, residue mobility, and thermodynamic stability) performed at Invitae indicates that this missense variant is not expected to disrupt AP5Z1 protein function. In summary, the available evidence is currently insufficient to determine the role of this variant in disease. Therefore, it has been classified as a Variant of Uncertain Significance.

GeneDx
Classification: Uncertain significance. Last evaluated: 2023-03-24. Review status: criteria provided, single submitter. Criteria: GeneDx Variant Classification Process June 2021. Collection method: clinical testing. Allele origin: germline. Affected: yes.
Comment: In silico analysis supports that this missense variant does not alter protein structure/function; Has not been previously published as pathogenic or benign to our knowledge

Illumina Laboratory Services, Illumina
Classification: Uncertain significance for Hereditary spastic paraplegia 48. Last evaluated: 2018-01-12. Review status: criteria provided, single submitter. Criteria: ICSL Variant Classification Criteria 13 December 2019. Collection method: clinical testing. Allele origin: germline.

Athena Diagnostics
Classification: Uncertain significance. Last evaluated: 2018-01-03. Review status: criteria provided, single submitter. Criteria: Athena Diagnostics Criteria. Collection method: clinical testing. Allele origin: germline.

Institute of Human Genetics, Univ. Regensburg, Univ. Regensburg
Classification: Uncertain significance for Retinal dystrophy. Last evaluated: 2022-01-01. Review status: no assertion criteria provided. Criteria: ACMG Guidelines, 2015. Collection method: clinical testing. Allele origin: germline. Affected: yes. Not counted in ClinVar's aggregate classification.

Clinical Genetics DNA and cytogenetics Diagnostics Lab, Erasmus MC, Erasmus Medical Center
Classification: Uncertain significance. Review status: no assertion criteria provided. Collection method: clinical testing. Allele origin: germline. Affected: yes. Study: VKGL Data-share Consensus. Not counted in ClinVar's aggregate classification.

Joint Genome Diagnostic Labs from Nijmegen and Maastricht, Radboudumc and MUMC+
Classification: Uncertain significance. Review status: no assertion criteria provided. Collection method: clinical testing. Allele origin: germline. Affected: yes. Study: VKGL Data-share Consensus. Not counted in ClinVar's aggregate classification.

NM_014855.3(AP5Z1):c.313C>T (p.His105Tyr)

Gene: AP5Z1 (adaptor related protein complex 5 subunit zeta 1; plus strand). Cytogenetic location: 7p22.1.
Variant type: single nucleotide variant.
Coding change: c.313C>T on transcript NM_014855.3 (MANE Select); coding-DNA position 313, C replaced by T.
Protein change: p.His105Tyr; replaces histidine 105 with tyrosine.
Molecular consequence: missense variant. On other transcripts: non-coding transcript variant (1), intron variant (1).
Genome position (GRCh38, 1-based): chr7:4,781,701, C>T. VCF-style: chr7-4781701-C-T. GRCh37 (hg19) VCF-style: chr7-4821332-C-T.
Other names: c.-103+389C>T (NM_001364858.1); c.313C>T, p.His105Tyr (LRG_1247t1); short protein forms H105Y.
Identifiers: ClinVar variation 360306 (VCV000360306.16), dbSNP rs200490093, ClinGen allele CA4137140.